The following is an entry in ClinVar:

NM_021098.3(CACNA1H):c.5791A>T (p.Ser1931Cys)

Gene: CACNA1H (calcium voltage-gated channel subunit alpha1 H; plus strand). Cytogenetic location: 16p13.3.
Variant type: single nucleotide variant.
Coding change: c.5791A>T on transcript NM_021098.3 (MANE Select); coding-DNA position 5791, A replaced by T.
Protein change: p.Ser1931Cys; replaces serine 1931 with cysteine.
Molecular consequence: missense variant.
Genome position (GRCh38, 1-based): chr16:1,218,555, A>T. VCF-style: chr16-1218555-A-T. GRCh37 (hg19) VCF-style: chr16-1268555-A-T.
Other names: c.5773A>T, p.Ser1925Cys (NM_001005407.2); short protein forms S1925C, S1931C.
Identifiers: ClinVar variation 1316931 (VCV001316931.2), dbSNP rs777593105, ClinGen allele CA7802129.

ClinVar aggregate classification (germline): Uncertain significance (1 of 4 stars; one submission).

Allele frequency attached by ClinVar (database versions not stated): gnomAD exomes below 0.00001 and 0.00001; ExAC 0.00005.
gnomAD v4.1: 1 of 1,562,760 alleles (0.000064%); highest among the groups gnomAD compares: Non-Finnish European, 0.000087%; no homozygotes.

Submission:

GeneDx
Classification: Uncertain significance. Last evaluated: 2019-01-29. Review status: criteria provided, single submitter. Criteria: GeneDx Variant Classification Process June 2021. Collection method: clinical testing. Allele origin: germline. Affected: yes.
Comment: Not observed in large population cohorts (Lek et al., 2016); In silico analysis, which includes protein predictors and evolutionary conservation, supports a deleterious effect; Has not been previously published as pathogenic or benign to our knowledge